The following is an entry in ClinVar:

NM_015721.3(GEMIN4):c.487G>A (p.Val163Ile)

Gene: GEMIN4 (gem nuclear organelle associated protein 4; minus strand). Cytogenetic location: 17p13.3.
Variant type: single nucleotide variant.
Coding change: c.487G>A on transcript NM_015721.3 (MANE Select); coding-DNA position 487, G replaced by A.
Protein change: p.Val163Ile; replaces valine 163 with isoleucine.
Molecular consequence: missense variant.
Genome position (GRCh38, 1-based): chr17:747,556, C>T on the plus strand (G>A on the coding strand, the complement: GEMIN4 is on the minus strand). VCF-style: chr17-747556-C-T. GRCh37 (hg19) VCF-style: chr17-650796-C-T.
Other names: short protein forms V163I.
Identifiers: ClinVar variation 2647176 (VCV002647176.24), dbSNP rs201806225, ClinGen allele CA8262883.

ClinVar aggregate classification (germline): Likely benign (1 of 4 stars; one submission).

Allele frequency attached by ClinVar (database versions not stated): gnomAD 0.00023; ExAC 0.00030; TOPMed 0.00031; ESP Exome Variant Server 0.00064.
gnomAD v4.1: 782 of 1,613,874 alleles (0.048%); highest among the groups gnomAD compares: Non-Finnish European, 0.061%; no homozygotes.

Submission:

CeGaT Center for Human Genetics Tuebingen
Classification: Likely benign. Last evaluated: 2026-03-01. Review status: criteria provided, single submitter. Criteria: CeGaT Center For Human Genetics Tuebingen Variant Classification Criteria Version 2. Collection method: clinical testing. Allele origin: germline. Affected: yes. Observed: 2 variant alleles.
Comment: GEMIN4: BP4